The following is an entry in ClinVar:

ClinVar aggregate classification (germline): Uncertain significance. Review status: criteria provided, multiple submitters, no conflicts (2 of 4 stars). 3 submissions from 3 submitters: Uncertain significance (3). Last evaluated 2025-08-25.

Conditions:
Inborn genetic diseases. Identifiers: MedGen C0950123, MeSH D030342.
Brachyolmia-amelogenesis imperfecta syndrome. Also called: Tooth agenesis, selective, 6; Dental anomalies and short stature; PLATYSPONDYLY WITH AMELOGENESIS IMPERFECTA. Identifiers: Orphanet 2899, MedGen C1832594, MONDO:0011018, OMIM 601216. Disease mechanism: loss of function.

Allele frequency attached by ClinVar (database versions not stated): gnomAD exomes below 0.00001.
gnomAD v4.1: 2 of 1,593,118 alleles (0.00013%); highest among the groups gnomAD compares: East Asian, 0.0022%; no homozygotes.

Submissions (3):

Labcorp Genetics (formerly Invitae), Labcorp
Classification: Uncertain significance for Brachyolmia-amelogenesis imperfecta syndrome. Last evaluated: 2025-08-25. Review status: criteria provided, single submitter. Criteria: Invitae Variant Classification Sherloc (09022015). Collection method: clinical testing. Allele origin: germline.
Comment: This sequence change replaces glutamine, which is neutral and polar, with arginine, which is basic and polar, at codon 772 of the LTBP3 protein (p.Gln772Arg). The frequency data for this variant in the population databases is considered unreliable, as metrics indicate poor data quality at this position in the gnomAD database. This variant has not been reported in the literature in individuals affected with LTBP3-related conditions. ClinVar contains an entry for this variant (Variation ID: 3233156). An algorithm developed to predict the effect of missense changes on protein structure and function (PolyPhen-2) suggests that this variant is likely to be disruptive. In summary, the available evidence is currently insufficient to determine the role of this variant in disease. Therefore, it has been classified as a Variant of Uncertain Significance.

GeneDx
Classification: Uncertain significance. Last evaluated: 2024-01-23. Review status: criteria provided, single submitter. Criteria: GeneDx Variant Classification Process June 2021. Collection method: clinical testing. Allele origin: germline. Affected: yes.
Comment: In silico analysis supports that this missense variant does not alter protein structure/function; Has not been previously published as pathogenic or benign to our knowledge

Ambry Genetics
Classification: Uncertain significance for Inborn genetic diseases. Last evaluated: 2023-12-25. Review status: criteria provided, single submitter. Criteria: Ambry Variant Classification Scheme 2023. Collection method: clinical testing. Allele origin: germline.
Comment: The p.Q772R variant (also known as c.2315A>G), located in coding exon 16 of the LTBP3 gene, results from an A to G substitution at nucleotide position 2315. The glutamine at codon 772 is replaced by arginine, an amino acid with highly similar properties. This amino acid position is conserved. In addition, the in silico prediction for this alteration is inconclusive. Since supporting evidence is limited at this time, the clinical significance of this alteration remains unclear.

NM_001130144.3(LTBP3):c.2315A>G (p.Gln772Arg)

Genes: LTBP3 (latent transforming growth factor beta binding protein 3; minus strand), LOC130006029 (ATAC-STARR-seq lymphoblastoid silent region 3532; plus strand). Cytogenetic location: 11q13.1.
Variant type: single nucleotide variant.
Coding change: c.2315A>G on transcript NM_001130144.3 (MANE Select); coding-DNA position 2315, A replaced by G.
Protein change: p.Gln772Arg; replaces glutamine 772 with arginine.
Molecular consequence: missense variant.
Genome position (GRCh38, 1-based): chr11:65,546,480, T>C on the plus strand (A>G on the coding strand, the complement: LTBP3 is on the minus strand). VCF-style: chr11-65546480-T-C. GRCh37 (hg19) VCF-style: chr11-65313951-T-C.
Other names: c.1964A>G, p.Gln655Arg (NM_001164266.1); c.2315A>G, p.Gln772Arg (NM_021070.4); short protein forms Q655R, Q772R.
Identifiers: ClinVar variation 3233156 (VCV003233156.3), dbSNP rs1450825798, ClinGen allele CA381269649.